The following is an entry in ClinVar:

NM_003185.4(TAF4):c.1442A>G (p.His481Arg)

Gene: TAF4 (TATA-box binding protein associated factor 4; minus strand). Cytogenetic location: 20q13.33.
Variant type: single nucleotide variant.
Coding change: c.1442A>G on transcript NM_003185.4 (MANE Select); coding-DNA position 1442, A replaced by G.
Protein change: p.His481Arg; replaces histidine 481 with arginine.
Molecular consequence: missense variant.
Genome position (GRCh38, 1-based): chr20:62,014,626, T>C on the plus strand (A>G on the coding strand, the complement: TAF4 is on the minus strand). VCF-style: chr20-62014626-T-C. GRCh37 (hg19) VCF-style: chr20-60589682-T-C.
Other names: short protein forms H481R.
Identifiers: ClinVar variation 5018014 (VCV005018014.1).

ClinVar aggregate classification (germline): Uncertain significance (1 of 4 stars; one submission).

Submission:

GeneDx
Classification: Uncertain significance. Last evaluated: 2026-03-31. Review status: criteria provided, single submitter. Criteria: GeneDx Variant Classification Process June 2021. Collection method: clinical testing. Allele origin: germline.
Comment: Not observed at significant frequency in large population cohorts (gnomAD); In silico analysis suggests that this missense variant does not alter protein structure/function; Has not been previously published as pathogenic or benign to our knowledge